The following is an entry in ClinVar:

ClinVar aggregate classification (germline): Pathogenic. Review status: criteria provided, single submitter (1 of 4 stars). 2 submissions from 2 submitters: Pathogenic (1). 1 of the submissions does not count toward it. Last evaluated 2014-07-25.

Conditions:
Allan-Herndon-Dudley syndrome (AHDS). Also called: ALLAN-HERNDON SYNDROME; Passos-Bueno syndrome; MENTAL RETARDATION AND MUSCULAR ATROPHY; T3 RESISTANCE; TRIIODOTHYRONINE RESISTANCE. Identifiers: Orphanet 59, MedGen C0795889, MONDO:0010354, OMIM 300523.
Intellectual disability. Also called: Intellectual developmental disorder; Intellectual functioning disability; intellectual disabilities. Identifiers: MedGen C3714756, MeSH D008607, MONDO:0001071, HP:0001249.

Submissions (2):

Diagnostic Laboratory, Strasbourg University Hospital
Classification: Pathogenic for Intellectual disability. Last evaluated: 2014-07-25. Review status: criteria provided, single submitter. Criteria: submitter's publication. Collection method: clinical testing. Allele origin: maternal. Affected: yes. Observed: 2 variant alleles, 2 hemizygotes.

OMIM
Classification: Pathogenic for ALLAN-HERNDON-DUDLEY SYNDROME. Last evaluated: 2017-06-15. Review status: no assertion criteria provided. Collection method: literature only. Allele origin: germline. Not counted in ClinVar's aggregate classification.

Literature cited by the submitters: Friesema, E., Grueters, A., Halestrap, A., Reeser, M., Visser, T. Mutations in a thyroid hormone transporter in patients with severe psychomotor retardation and high serum T3 levels. (Abstract) Thyroid 13: 672-only, 2003. (cited by OMIM).

NM_006517.5(SLC16A2):c.1190T>C (p.Leu397Pro)

Gene: SLC16A2 (solute carrier family 16 member 2; plus strand). Cytogenetic location: Xq13.2.
Variant type: single nucleotide variant.
Coding change: c.1190T>C on transcript NM_006517.5 (MANE Select); coding-DNA position 1190, T replaced by C.
Protein change: p.Leu397Pro; replaces leucine 397 with proline.
Molecular consequence: missense variant.
Genome position (GRCh38, 1-based): chrX:74,529,232, T>C. VCF-style: chrX-74529232-T-C. GRCh37 (hg19) VCF-style: chrX-73749067-T-C.
Other names: short protein forms L397P.
Identifiers: ClinVar variation 11636 (VCV000011636.3), dbSNP rs122455132, ClinGen allele CA255947.